The following is an entry in ClinVar:

NM_138615.3(DHX30):c.3579C>A (p.Asp1193Glu)

Gene: DHX30 (DExH-box helicase 30; plus strand). Cytogenetic location: 3p21.31.
Variant type: single nucleotide variant.
Coding change: c.3579C>A on transcript NM_138615.3 (MANE Select); coding-DNA position 3579, C replaced by A.
Protein change: p.Asp1193Glu; replaces aspartic acid 1193 with glutamic acid.
Molecular consequence: missense variant.
Genome position (GRCh38, 1-based): chr3:47,850,114, C>A. VCF-style: chr3-47850114-C-A. GRCh37 (hg19) VCF-style: chr3-47891604-C-A.
Other names: c.3495C>A, p.Asp1165Glu (NM_001330990.2); c.3462C>A, p.Asp1154Glu (NM_014966.4); short protein forms D1154E, D1165E, D1193E.
Identifiers: ClinVar variation 2582041 (VCV002582041.1), dbSNP rs773244355, ClinGen allele CA352596951.
Genomic context (GRCh38, chr3:47,850,114, plus strand): 5'-GCTACTGGCAGAGCTGCTGCGAGGACCCTGTGGCAGCTTTGATGTGCGCAAGACAGCTGA[C>A]GACTGAGCCCTGCTTCTGCTGGGGCTGTGTACAGAGTGCAAATGTTTATTTAAAATAAAG-3'
Protein context (NP_619520.1, residues 1183-1194): CGSFDVRKTA[Asp1193Glu]D

ClinVar aggregate classification (germline): Uncertain significance (1 of 4 stars; one submission).

Submission:

GeneDx
Classification: Uncertain significance. Last evaluated: 2023-03-28. Review status: criteria provided, single submitter. Criteria: GeneDx Variant Classification Process June 2021. Collection method: clinical testing. Allele origin: germline. Affected: yes.
Comment: Not observed at significant frequency in large population cohorts (gnomAD); In silico analysis supports that this missense variant does not alter protein structure/function; Has not been previously published as pathogenic or benign to our knowledge